The following is an entry in ClinVar:

ClinVar aggregate classification (germline): Uncertain significance (1 of 4 stars; one submission).

gnomAD v4.1: 24 of 1,613,996 alleles (0.0015%); highest among the groups gnomAD compares: Non-Finnish European, 0.002%; no homozygotes.

Submission:

Labcorp Genetics (formerly Invitae), Labcorp
Classification: Uncertain significance. Last evaluated: 2024-02-07. Review status: criteria provided, single submitter. Criteria: Invitae Variant Classification Sherloc (09022015). Collection method: clinical testing. Allele origin: germline.
Comment: This sequence change replaces proline, which is neutral and non-polar, with alanine, which is neutral and non-polar, at codon 739 of the GRIN2D protein (p.Pro739Ala). This variant is present in population databases (rs756990599, gnomAD 0.006%). This variant has not been reported in the literature in individuals affected with GRIN2D-related conditions. Advanced modeling of protein sequence and biophysical properties (such as structural, functional, and spatial information, amino acid conservation, physicochemical variation, residue mobility, and thermodynamic stability) performed at Invitae indicates that this missense variant is not expected to disrupt GRIN2D protein function with a negative predictive value of 80%. In summary, the available evidence is currently insufficient to determine the role of this variant in disease. Therefore, it has been classified as a Variant of Uncertain Significance.

NM_000836.4(GRIN2D):c.2215C>G (p.Pro739Ala)

Gene: GRIN2D (glutamate ionotropic receptor NMDA type subunit 2D; plus strand). Cytogenetic location: 19q13.33.
Variant type: single nucleotide variant.
Coding change: c.2215C>G on transcript NM_000836.4 (MANE Select); coding-DNA position 2215, C replaced by G.
Protein change: p.Pro739Ala; replaces proline 739 with alanine.
Molecular consequence: missense variant.
Genome position (GRCh38, 1-based): chr19:48,421,908, C>G. VCF-style: chr19-48421908-C-G. GRCh37 (hg19) VCF-style: chr19-48925165-C-G.
Other names: short protein forms P739A.
Identifiers: ClinVar variation 3676496 (VCV003676496.2).